The following is an entry in ClinVar:

NM_002204.4(ITGA3):c.106G>T (p.Asp36Tyr)

Gene: ITGA3 (integrin subunit alpha 3; plus strand). Cytogenetic location: 17q21.33.
Variant type: single nucleotide variant.
Coding change: c.106G>T on transcript NM_002204.4 (MANE Select); coding-DNA position 106, G replaced by T.
Protein change: p.Asp36Tyr; replaces aspartic acid 36 with tyrosine.
Molecular consequence: missense variant.
Genome position (GRCh38, 1-based): chr17:50,056,545, G>T. VCF-style: chr17-50056545-G-T. GRCh37 (hg19) VCF-style: chr17-48133909-G-T.
Other names: short protein forms D36Y.
Identifiers: ClinVar variation 2631334 (VCV002631334.2), dbSNP rs1322013575, ClinGen allele CA400170550.
Genomic context (GRCh38, chr17:50,056,545, plus strand): 5'-CTCTGTGCGCTCGCCTTGATGGTGGCGGCCGGCGGCTGCGTCGTCTCCGCCTTCAACCTG[G>T]ATACCCGATTCCTGGTAGTGAAGGAGGCCGGGAACCCGGGCAGCCTCTTCGGCTACTCGG-3'
Protein context (NP_002195.1, residues 26-46): GGCVVSAFNL[Asp36Tyr]TRFLVVKEAG

ClinVar aggregate classification (germline): Uncertain significance (1 of 4 stars; one submission).

Conditions:
ITGA3-related disorder. Also called: ITGA3-related condition.

Allele frequency attached by ClinVar (database versions not stated): gnomAD exomes below 0.00001; TOPMed below 0.00001.
gnomAD v4.1: 1 of 1,561,322 alleles (0.000064%); highest among the groups gnomAD compares: African/African-American, 0.0014%; no homozygotes.

Submission:

PreventionGenetics, part of Exact Sciences
Classification: Uncertain significance for ITGA3-related condition. Last evaluated: 2025-12-10. Review status: criteria provided, single submitter. Criteria: ACMG Guidelines, 2015. Collection method: clinical testing. Allele origin: germline.
Comment: The ITGA3 c.106G>T variant is predicted to result in the amino acid substitution p.Asp36Tyr. To our knowledge, this variant has not been reported in the literature or in a large population database, indicating this variant is rare. At this time, the clinical significance of this variant is uncertain due to the absence of conclusive functional and genetic evidence.